The following is an entry in ClinVar:

ClinVar aggregate classification (germline): Pathogenic. Review status: criteria provided, single submitter (1 of 4 stars). 3 submissions from 3 submitters: Pathogenic (1). 2 of the submissions do not count toward it. Last evaluated 2026-02-01.

Conditions:
Alpha-thalassemia and related diseases. Identifiers: Orphanet 275745, MedGen C5680751, MONDO:0017144.
alpha Thalassemia. Also called: Alpha thalassemia spectrum. Identifiers: Orphanet 846, MedGen C0002312, MONDO:0011399, OMIM 604131.

Submissions (3):

Department of Otolaryngology Head and Neck Surgery, Hainan Hospital of the Chinese People’s Liberation Army General Hospital
Classification: Pathogenic for alpha Thalassemia. Last evaluated: 2026-02-01. Review status: criteria provided, single submitter. Criteria: ACMG Guidelines, 2015. Collection method: clinical testing. Allele origin: germline. Affected: yes.
Comment: This variant is a heterozygous 3.7-kb rightward deletion (-α3.7) in the alpha-globin gene cluster. The -α3.7 deletion is the most common known mutation in the α-globin gene cluster worldwide. It results from an unequal crossover between homologous sequences in the α-globin complex. Individuals heterozygous for this deletion (-α/αα) typically present with mild microcytosis and hypochromia, with normal or slightly reduced hemoglobin levels. Homozygotes (-α/-α) or compound heterozygotes can lead to a more severe α-thalassemia phenotype, including HbH disease. The classification of this variant as pathogenic is based on its well-established role in reducing alpha-globin chain synthesis, leading to the characteristic hematological features of alpha-thalassemia

MOLECULAR BIOLOGY AND HUMAN GENETICS DIVISION, THE UNIVERSITY OF BURDWAN
Classification: Pathogenic for alpha Thalassemia. Last evaluated: 2025-04-21. Review status: no assertion criteria provided. Collection method: research. Allele origin: germline. Affected: yes. Observed: 51 variant alleles. Not counted in ClinVar's aggregate classification.
Comment: When this deletion present in the homozygous condition, it significantly reduces the Alpha globin gene product

Cause alpha thalassemia when present in homozygous condition associated with other beta mutation, commonly occuring in the Bengali Population

GeneReviews
Classification: Pathogenic for alpha Thalassemia. Last evaluated: 2016-12-29. Review status: no assertion criteria provided. Collection method: literature only. Allele origin: germline. Not counted in ClinVar's aggregate classification.
Comment: alpha-thalassemia variant with 3.7-kb rightward deletion of HBA2

Literature cited by the submitters: PubMed 39627988 (cited by Department of Otolaryngology Head and Neck Surgery, Hainan Hospital of the Chinese People’s Liberation Army General Hospital); PubMed 40325513 (cited by Department of Otolaryngology Head and Neck Surgery, Hainan Hospital of the Chinese People’s Liberation Army General Hospital); PubMed 35916627 (cited by Department of Otolaryngology Head and Neck Surgery, Hainan Hospital of the Chinese People’s Liberation Army General Hospital); PubMed 31199903 (cited by MOLECULAR BIOLOGY AND HUMAN GENETICS DIVISION, THE UNIVERSITY OF BURDWAN).

NG_000006.1(HBA1):g.34247_38050del

Genes: HBA1 (hemoglobin subunit alpha 1; plus strand), HBA2 (hemoglobin subunit alpha 2; plus strand), LOC106804612 (hemoglobin subunit alpha 2 recombination region; plus strand), LOC106804613 (hemoglobin subunit alpha 1 recombination region; plus strand). Cytogenetic location: 16p13.3.
Variant type: Deletion.
Genome position: GRCh38: chr16:173,384-177,187. GRCh37 (hg19): chr16:223,383-227,186.
Other names: -alpha3.7.
Identifiers: ClinVar variation 38636 (VCV000038636.6), ClinGen allele CA16602246.